The following is an entry in ClinVar:

ClinVar aggregate classification (germline): Benign/Likely benign. Review status: criteria provided, multiple submitters, no conflicts (2 of 4 stars). 3 submissions from 3 submitters: Benign (2); Likely benign (1). Last evaluated 2018-07-09.

Conditions:
Hermansky-Pudlak syndrome 3 (HPS3). Identifiers: Orphanet 231512, Orphanet 79430, MedGen C3888001, MONDO:0013555, OMIM 614072.

Allele frequency attached by ClinVar (database versions not stated): gnomAD exomes 0.09408; gnomAD 0.11504 and 0.11672; 1000 Genomes Project 0.11621; TOPMed 0.11660; 1000 Genomes Project 30x 0.11743.
gnomAD v4.1: 56,269 of 566,306 alleles (9.9%); highest among the groups gnomAD compares: African/African-American, 18%; 3,232 homozygotes.

Submissions (3):

GeneDx
Classification: Benign. Last evaluated: 2018-07-09. Review status: criteria provided, single submitter. Criteria: GeneDx Variant Classification Process June 2021. Collection method: clinical testing. Allele origin: germline. Affected: yes.

Illumina Laboratory Services, Illumina
Classification: Benign for Hermansky-Pudlak syndrome 3. Last evaluated: 2018-01-12. Review status: criteria provided, single submitter. Criteria: ICSL Variant Classification Criteria 13 December 2019. Collection method: clinical testing. Allele origin: germline.
Comment: This variant was observed in the ICSL laboratory as part of a predisposition screen in an ostensibly healthy population. It had not been previously curated by ICSL or reported in the Human Gene Mutation Database (HGMD: prior to June 1st, 2018), and was therefore a candidate for classification through an automated scoring system. Utilizing variant allele frequency, disease prevalence and penetrance estimates, and inheritance mode, an automated score was calculated to assess if this variant is too frequent to cause the disease. Based on the score and internal cut-off values, a variant classified as benign is not then subjected to further curation. The score for this variant resulted in a classification of benign for this disease.

Breakthrough Genomics
Classification: Likely benign. Review status: criteria provided, single submitter. Criteria: ACMG Guidelines, 2015. Collection method: not provided. Allele origin: germline. Inheritance: Autosomal recessive inheritance. Affected: yes.

NM_032383.5(HPS3):c.*172G>A

Genes: CP (ceruloplasmin; minus strand), HPS3 (HPS3 biogenesis of lysosomal organelles complex 2 subunit 1; plus strand). Cytogenetic location: 3q24.
Variant type: single nucleotide variant.
Coding change: c.*172G>A on transcript NM_032383.5 (MANE Select); 172 bases downstream of the stop codon, G replaced by A.
Molecular consequence: 3 prime UTR variant.
Genome position (GRCh38, 1-based): chr3:149,172,394, G>A. VCF-style: chr3-149172394-G-A. GRCh37 (hg19) VCF-style: chr3-148890181-G-A.
Other names: c.*172G>A (NM_001308258.2).
Identifiers: ClinVar variation 343734 (VCV000343734.8), dbSNP rs34511277, ClinGen allele CA10615063.